The following is an entry in ClinVar:

NM_014339.7(IL17RA):c.1295A>G (p.Gln432Arg)

Gene: IL17RA (interleukin 17 receptor A; plus strand). Cytogenetic location: 22q11.1.
Variant type: single nucleotide variant.
Coding change: c.1295A>G on transcript NM_014339.7 (MANE Select); coding-DNA position 1295, A replaced by G.
Protein change: p.Gln432Arg; replaces glutamine 432 with arginine.
Molecular consequence: missense variant.
Genome position (GRCh38, 1-based): chr22:17,108,514, A>G. VCF-style: chr22-17108514-A-G. GRCh37 (hg19) VCF-style: chr22-17589404-A-G.
Other names: c.1295A>G (NM_014339.5); c.1193A>G, p.Gln398Arg (NM_001289905.2); short protein forms Q398R, Q432R.
Identifiers: ClinVar variation 2798110 (VCV002798110.4), dbSNP rs761289452, ClinGen allele CA10086709.

ClinVar aggregate classification (germline): Uncertain significance. Review status: criteria provided, multiple submitters, no conflicts (2 of 4 stars). 2 submissions from 2 submitters: Uncertain significance (2). Last evaluated 2024-01-04.

Conditions:
Immunodeficiency 51 (IMD51). Also called: CANDIDIASIS, FAMILIAL, 5. Identifiers: Orphanet 1334, MedGen C4310803, MONDO:0013500, OMIM 613953.

Allele frequency attached by ClinVar (database versions not stated): gnomAD exomes below 0.00001; TOPMed below 0.00001; ExAC 0.00001.
gnomAD v4.1: 6 of 1,612,088 alleles (0.00037%); highest among the groups gnomAD compares: East Asian, 0.011%; no homozygotes.

Submissions (2):

Labcorp Genetics (formerly Invitae), Labcorp
Classification: Uncertain significance for Immunodeficiency 51. Last evaluated: 2024-01-04. Review status: criteria provided, single submitter. Criteria: Invitae Variant Classification Sherloc (09022015). Collection method: clinical testing. Allele origin: germline.
Comment: This sequence change replaces glutamine, which is neutral and polar, with arginine, which is basic and polar, at codon 432 of the IL17RA protein (p.Gln432Arg). This variant is present in population databases (rs761289452, gnomAD 0.05%). This variant has not been reported in the literature in individuals affected with IL17RA-related conditions. Advanced modeling of protein sequence and biophysical properties (such as structural, functional, and spatial information, amino acid conservation, physicochemical variation, residue mobility, and thermodynamic stability) performed at Invitae indicates that this missense variant is not expected to disrupt IL17RA protein function with a negative predictive value of 80%. In summary, the available evidence is currently insufficient to determine the role of this variant in disease. Therefore, it has been classified as a Variant of Uncertain Significance.

Ambry Genetics
Classification: Uncertain significance. Last evaluated: 2023-10-10. Review status: criteria provided, single submitter. Criteria: Ambry Variant Classification Scheme 2023. Collection method: clinical testing. Allele origin: germline.